The following is an entry in ClinVar:

NM_005422.4(TECTA):c.2077G>A (p.Gly693Arg)

Genes: TBCEL-TECTA (TBCEL-TECTA readthrough; plus strand), TECTA (tectorin alpha; plus strand). Cytogenetic location: 11q23.3.
Variant type: single nucleotide variant.
Coding change: c.2077G>A on transcript NM_005422.4 (MANE Select); coding-DNA position 2077, G replaced by A.
Protein change: p.Gly693Arg; replaces glycine 693 with arginine.
Molecular consequence: missense variant.
Genome position (GRCh38, 1-based): chr11:121,128,054, G>A. VCF-style: chr11-121128054-G-A. GRCh37 (hg19) VCF-style: chr11-120998763-G-A.
Other names: c.3034G>A, p.Gly1012Arg (NM_001378761.1); short protein forms G693R, G1012R.
Identifiers: ClinVar variation 229293 (VCV000229293.12), dbSNP rs200502160, ClinGen allele CA6326907.
Genomic context (GRCh38, chr11:121,128,054, plus strand): 5'-GTGCAATGCCTGTGCGAGGAGGGCGGGGACGTCTACTGCTTCAACAAGACCTGCGGCAGC[G>A]GGGAGGTGTGCGCCGTGGAGGACGGCTACCAGGGCTGCTTCCCCAAGCGGGAGACCGTGT-3'
Protein context (NP_005413.2, residues 683-703): VYCFNKTCGS[Gly693Arg]EVCAVEDGYQ

ClinVar aggregate classification (germline): Uncertain significance. Review status: criteria provided, multiple submitters, no conflicts (2 of 4 stars). 5 submissions from 4 submitters: Uncertain significance (5). Last evaluated 2024-09-19.

Conditions:
Autosomal recessive nonsyndromic hearing loss 21. Identifiers: Orphanet 90636, MedGen C1863655, MONDO:0011351, OMIM 603629.
Autosomal dominant nonsyndromic hearing loss 12. Also called: DEAFNESS, AUTOSOMAL DOMINANT 8. Identifiers: Orphanet 90635, MedGen C1832187, MONDO:0011102, OMIM 601543.

Allele frequency attached by ClinVar (database versions not stated): gnomAD exomes 0.00003 and 0.00007; TOPMed 0.00003; ExAC 0.00005; gnomAD 0.00005.
gnomAD v4.1: 110 of 1,612,388 alleles (0.0068%); highest among the groups gnomAD compares: South Asian, 0.0099%; no homozygotes.

Submissions (5):

Labcorp Genetics (formerly Invitae), Labcorp
Classification: Uncertain significance. Last evaluated: 2024-09-19. Review status: criteria provided, single submitter. Criteria: Invitae Variant Classification Sherloc (09022015). Collection method: clinical testing. Allele origin: germline.
Comment: This sequence change replaces glycine, which is neutral and non-polar, with arginine, which is basic and polar, at codon 693 of the TECTA protein (p.Gly693Arg). This variant is present in population databases (rs200502160, gnomAD 0.006%). This variant has not been reported in the literature in individuals affected with TECTA-related conditions. ClinVar contains an entry for this variant (Variation ID: 229293). Invitae Evidence Modeling of protein sequence and biophysical properties (such as structural, functional, and spatial information, amino acid conservation, physicochemical variation, residue mobility, and thermodynamic stability) indicates that this missense variant is not expected to disrupt TECTA protein function with a negative predictive value of 95%. In summary, the available evidence is currently insufficient to determine the role of this variant in disease. Therefore, it has been classified as a Variant of Uncertain Significance.

Blueprint Genetics
Classification: Uncertain significance. Last evaluated: 2021-10-04. Review status: criteria provided, single submitter. Criteria: ACMG Guidelines, 2015. Collection method: clinical testing. Allele origin: germline.

Illumina Laboratory Services, Illumina
Classification: Uncertain significance for Autosomal recessive nonsyndromic hearing loss 21. Last evaluated: 2018-01-12. Review status: criteria provided, single submitter. Criteria: ICSL Variant Classification Criteria 13 December 2019. Collection method: clinical testing. Allele origin: germline.

Illumina Laboratory Services, Illumina
Classification: Uncertain significance for Autosomal dominant nonsyndromic hearing loss 12. Last evaluated: 2018-01-12. Review status: criteria provided, single submitter. Criteria: ICSL Variant Classification Criteria 13 December 2019. Collection method: clinical testing. Allele origin: germline.

Laboratory for Molecular Medicine, Mass General Brigham Personalized Medicine
Classification: Uncertain significance. Last evaluated: 2016-01-07. Review status: criteria provided, single submitter. Criteria: LMM Criteria. Collection method: clinical testing. Allele origin: germline. Observed: 2 variant alleles.
Comment: The p.Gly693Arg variant in TECTA has not been previously reported in individuals with hearing loss, but has been identified in 5/66516 of European chromosomes b y the Exome Aggregation Consortium (ExAC; dbSNP rs200502160). Although this variant has been seen in the general population, its frequency is not high enough to rule out a pathogenic role. Computational predi ction tools and conservation analyses suggest that the p.Gly693Arg variant may i mpact the protein, though this information is not predictive enough to determine pathogenicity. In summary, the clinical significance of the p.Gly693Arg variant is uncertain.